The following is an entry in ClinVar:

ClinVar aggregate classification (germline): Uncertain significance (1 of 4 stars; one submission).

Submission:

Labcorp Genetics (formerly Invitae), Labcorp
Classification: Uncertain significance. Last evaluated: 2021-12-28. Review status: criteria provided, single submitter. Criteria: Invitae Variant Classification Sherloc (09022015). Collection method: clinical testing. Allele origin: germline.
Comment: This variant, c.99_101dup, results in the insertion of 1 amino acid(s) of the NPR3 protein (p.Gly35dup), but otherwise preserves the integrity of the reading frame. This variant is present in population databases (no rsID available, gnomAD 0.08%). In summary, the available evidence is currently insufficient to determine the role of this variant in disease. Therefore, it has been classified as a Variant of Uncertain Significance. This variant has not been reported in the literature in individuals affected with NPR3-related conditions.

NM_001204375.2(NPR3):c.90CGG[5] (p.Gly35_Ala36insGly)

Genes: NPR3 (natriuretic peptide receptor 3; plus strand), LOC123493284 (Sharpr-MPRA regulatory region 158; plus strand). Cytogenetic location: 5p13.3.
Variant type: Microsatellite.
Coding change: c.90CGG[5] on transcript NM_001204375.2 (MANE Select); five copies in a row of the 3-base unit CGG starting at c.90; the reference has four copies in a row; one copy, 3 bases duplicated.
Protein change: p.Gly35_Ala36insGly.
Molecular consequence: inframe insertion. On other transcripts: intron variant (4).
Genome position (GRCh38, 1-based): chr5:32,711,875-32,711,877, CGG duplicated; duplicating any 3 consecutive bases within chr5:32,711,864-32,711,877 gives the same sequence; the position shown is the placement nearest the transcript's 3' end. VCF-style (leftmost placement, unchanged base first): chr5-32711863-T-TGGC. GRCh37 (hg19) VCF-style: chr5-32711969-T-TGGC.
Other names: c.90CGG[5], p.Gly35_Ala36insGly (NM_000908.4); c.50-12834GGC[5] (NM_001364458.2); c.121+1081GGC[5] (NM_001363652.2, NM_001204376.2, NM_001364460.2).
Identifiers: ClinVar variation 2190864 (VCV002190864.4), dbSNP rs1224426978, ClinGen allele CA443804161.